The following is an entry in ClinVar:

NM_032129.3(PLEKHN1):c.526G>A (p.Ala176Thr)

Gene: PLEKHN1 (pleckstrin homology domain containing N1; plus strand). Cytogenetic location: 1p36.33.
Variant type: single nucleotide variant.
Coding change: c.526G>A on transcript NM_032129.3 (MANE Select); coding-DNA position 526, G replaced by A.
Protein change: p.Ala176Thr; replaces alanine 176 with threonine.
Molecular consequence: missense variant.
Genome position (GRCh38, 1-based): chr1:970,920, G>A. VCF-style: chr1-970920-G-A. GRCh37 (hg19) VCF-style: chr1-906300-G-A.
Other names: c.526G>A, p.Ala176Thr (NM_001160184.2, NM_001367552.1); c.646G>A, p.Ala216Thr (NM_001410697.1); short protein forms A176T, A216T.
Identifiers: ClinVar variation 4280774 (VCV004280774.7).
Genomic context (GRCh38, chr1:970,920, plus strand): 5'-CTCTCTGCCCTGCCCGCAGGCCCACTGCCCGCACCCCTCCTGGTGCTCTGCCCCAGCCGG[G>A]CCGAGCTGGACCGCTGGCTTTACCACCTGGAGAAGCAGACGGCCCTCCTCGGGGGGCCGC-3'
Protein context (NP_115505.2, residues 166-186): APLLVLCPSR[Ala176Thr]ELDRWLYHLE

ClinVar aggregate classification (germline): Likely benign (1 of 4 stars; one submission).

Submission:

CeGaT Center for Human Genetics Tuebingen
Classification: Likely benign. Last evaluated: 2025-09-01. Review status: criteria provided, single submitter. Criteria: CeGaT Center For Human Genetics Tuebingen Variant Classification Criteria Version 2. Collection method: clinical testing. Allele origin: germline. Affected: yes. Observed: 1 variant allele.
Comment: PLEKHN1: BP4